The following is an entry in ClinVar:

ClinVar aggregate classification (germline): Conflicting classifications of pathogenicity. Review status: criteria provided, conflicting classifications (1 of 4 stars). 2 submissions from 1 submitter: Uncertain significance (1); Likely benign (1). Last evaluated 2018-01-13.

Conditions:
Susceptibility to mononeuropathy of the median nerve, mild. Also called: CARPAL TUNNEL SYNDROME, SUSCEPTIBILITY TO. Identifiers: MedGen C3150596, MONDO:0013237, OMIM 613353.
Charcot-Marie-Tooth disease type 4C (CMT4C). Also called: CHARCOT-MARIE-TOOTH DISEASE, DEMYELINATING, AUTOSOMAL RECESSIVE, TYPE 4C; CMT 4C; Charcot-Marie-Tooth Neuropathy Type 4C (CMT4C); CHARCOT-MARIE-TOOTH DISEASE, DEMYELINATING, TYPE 4C; SH3TC2-Related Hereditary Motor and Sensory Neuropathy. Identifiers: Orphanet 99949, MedGen C1866636, MONDO:0011113, OMIM 601596.

Allele frequency attached by ClinVar (database versions not stated): 1000 Genomes Project 0.00160; 1000 Genomes Project 30x 0.00172; gnomAD 0.00201; TOPMed 0.00201.

Submissions (2):

Illumina Laboratory Services, Illumina
Classification: Likely benign for Susceptibility to mononeuropathy of the median nerve, mild. Last evaluated: 2018-01-13. Review status: criteria provided, single submitter. Criteria: ICSL Variant Classification Criteria 13 December 2019. Collection method: clinical testing. Allele origin: germline.
Comment: This variant was observed in the ICSL laboratory as part of a predisposition screen in an ostensibly healthy population. It had not been previously curated by ICSL or reported in the Human Gene Mutation Database (HGMD: prior to June 1st, 2018), and was therefore a candidate for classification through an automated scoring system. Utilizing variant allele frequency, disease prevalence and penetrance estimates, and inheritance mode, an automated score was calculated to assess if this variant is too frequent to cause the disease. Based on the score and internal cut-off values, a variant classified as likely benign is not then subjected to further curation. The score for this variant resulted in a classification of likely benign for this disease.

Illumina Laboratory Services, Illumina
Classification: Uncertain significance for Charcot-Marie-Tooth disease type 4C. Last evaluated: 2018-01-13. Review status: criteria provided, single submitter. Criteria: ICSL Variant Classification Criteria 13 December 2019. Collection method: clinical testing. Allele origin: germline.

NM_024577.4(SH3TC2):c.*13465C>A

Gene: SH3TC2 (SH3 domain and tetratricopeptide repeats 2; minus strand). Cytogenetic location: 5q32.
Variant type: single nucleotide variant.
Coding change: c.*13465C>A on transcript NM_024577.4 (MANE Select); 13465 bases downstream of the stop codon, C replaced by A.
Molecular consequence: 3 prime UTR variant.
Genome position (GRCh38, 1-based): chr5:148,991,246, G>T on the plus strand (C>A on the coding strand, the complement: SH3TC2 is on the minus strand). VCF-style: chr5-148991246-G-T. GRCh37 (hg19) VCF-style: chr5-148370809-G-T.
Identifiers: ClinVar variation 351670 (VCV000351670.5), dbSNP rs186009343, ClinGen allele CA10619458.